The following is an entry in ClinVar:

NM_024757.5(EHMT1):c.1444G>A (p.Val482Ile)

Gene: EHMT1 (euchromatic histone lysine methyltransferase 1; plus strand). Cytogenetic location: 9q34.3.
Variant type: single nucleotide variant.
Coding change: c.1444G>A on transcript NM_024757.5 (MANE Select); coding-DNA position 1444, G replaced by A.
Protein change: p.Val482Ile; replaces valine 482 with isoleucine.
Molecular consequence: missense variant.
Genome position (GRCh38, 1-based): chr9:137,757,954, G>A. VCF-style: chr9-137757954-G-A. GRCh37 (hg19) VCF-style: chr9-140652406-G-A.
Other names: c.1444G>A, p.Val482Ile (NM_001145527.2, NM_001354611.2); c.1351G>A, p.Val451Ile (NM_001354259.2, NM_001354612.2); c.1423G>A, p.Val475Ile (NM_001354263.2); short protein forms V482I, V475I, V451I.
Identifiers: ClinVar variation 589288 (VCV000589288.22), dbSNP rs1265023925, ClinGen allele CA375766205.
Genomic context (GRCh38, chr9:137,757,954, plus strand): 5'-AAGTCATCTGCAGGAAGCGCTGAGCAGACGGCACCAGGAGACAGCACAGGGTACATGGAA[G>A]TTTCTCTGGACTCCCTGGATCTCCGAGTCAAAGGAATTCTGTCTTCACAAGCAGAAGGTG-3'
Protein context (NP_079033.4, residues 472-492): APGDSTGYME[Val482Ile]SLDSLDLRVK

ClinVar aggregate classification (germline): Conflicting classifications of pathogenicity. Review status: criteria provided, conflicting classifications (1 of 4 stars). 3 submissions from 3 submitters: Uncertain significance (2); Likely benign (1). Last evaluated 2025-05-28.

Conditions:
Kleefstra syndrome 1 (KLEFS1). Identifiers: Orphanet 261494, MedGen C0795833, MONDO:0027407, OMIM 610253.
Inborn genetic diseases. Identifiers: MedGen C0950123, MeSH D030342.

Allele frequency attached by ClinVar (database versions not stated): gnomAD exomes below 0.00001 and 0.00001; TOPMed below 0.00001; gnomAD 0.00001.

Submissions (3):

Labcorp Genetics (formerly Invitae), Labcorp
Classification: Uncertain significance for Kleefstra syndrome 1. Last evaluated: 2025-05-28. Review status: criteria provided, single submitter. Criteria: Invitae Variant Classification Sherloc (09022015). Collection method: clinical testing. Allele origin: germline.
Comment: This sequence change replaces valine, which is neutral and non-polar, with isoleucine, which is neutral and non-polar, at codon 482 of the EHMT1 protein (p.Val482Ile). This variant is present in population databases (no rsID available, gnomAD 0.0009%). This variant has not been reported in the literature in individuals affected with EHMT1-related conditions. ClinVar contains an entry for this variant (Variation ID: 589288). An algorithm developed to predict the effect of missense changes on protein structure and function (PolyPhen-2) suggests that this variant is likely to be disruptive. In summary, the available evidence is currently insufficient to determine the role of this variant in disease. Therefore, it has been classified as a Variant of Uncertain Significance.

CeGaT Center for Human Genetics Tuebingen
Classification: Likely benign. Last evaluated: 2024-11-01. Review status: criteria provided, single submitter. Criteria: CeGaT Center For Human Genetics Tuebingen Variant Classification Criteria Version 2. Collection method: clinical testing. Allele origin: germline. Affected: yes. Observed: 1 variant allele.
Comment: EHMT1: BP4

Ambry Genetics
Classification: Uncertain significance for Inborn genetic diseases. Last evaluated: 2018-10-04. Review status: criteria provided, single submitter. Criteria: Ambry Variant Classification Scheme 2023. Collection method: clinical testing. Allele origin: germline.
Comment: The p.V482I variant (also known as c.1444G>A), located in coding exon 9 of the EHMT1 gene, results from a G to A substitution at nucleotide position 1444. The valine at codon 482 is replaced by isoleucine, an amino acid with highly similar properties. This amino acid position is highly conserved in available vertebrate species. In addition, this alteration is predicted to be tolerated by in silico analysis. Since supporting evidence is limited at this time, the clinical significance of this variant remains unclear.